The following is an entry in ClinVar:

ClinVar aggregate classification (germline): Uncertain significance (1 of 4 stars; one submission).

Allele frequency attached by ClinVar (database versions not stated): gnomAD exomes below 0.00001.
gnomAD v4.1: 1 of 1,613,518 alleles (0.000062%); highest among the groups gnomAD compares: Admixed American, 0.0017%; no homozygotes.

Submission:

Ambry Genetics
Classification: Uncertain significance. Last evaluated: 2024-09-04. Review status: criteria provided, single submitter. Criteria: Ambry Variant Classification Scheme 2023. Collection method: clinical testing. Allele origin: germline.
Comment: The p.C467Y variant (also known as c.1400G>A), located in coding exon 13 of the RAD54L gene, results from a G to A substitution at nucleotide position 1400. The cysteine at codon 467 is replaced by tyrosine, an amino acid with highly dissimilar properties. This amino acid position is conserved. In addition, this alteration is predicted to be deleterious by in silico analysis. Since supporting evidence is limited at this time, the clinical significance of this alteration remains unclear.

NM_003579.4(RAD54L):c.1400G>A (p.Cys467Tyr)

Gene: RAD54L (RAD54 like; plus strand). Cytogenetic location: 1p34.1.
Variant type: single nucleotide variant.
Coding change: c.1400G>A on transcript NM_003579.4 (MANE Select); coding-DNA position 1400, G replaced by A.
Protein change: p.Cys467Tyr; replaces cysteine 467 with tyrosine.
Molecular consequence: missense variant.
Genome position (GRCh38, 1-based): chr1:46,273,379, G>A. VCF-style: chr1-46273379-G-A. GRCh37 (hg19) VCF-style: chr1-46739051-G-A.
Other names: c.1400G>A, p.Cys467Tyr (NM_001142548.2); c.860G>A, p.Cys287Tyr (NM_001370766.1); short protein forms C467Y, C287Y.
Identifiers: ClinVar variation 1771793 (VCV001771793.3), dbSNP rs2525711389, ClinGen allele CA340180429.